The following is an entry in ClinVar:

ClinVar aggregate classification (germline): Conflicting classifications of pathogenicity. Review status: criteria provided, conflicting classifications (1 of 4 stars). 6 submissions from 6 submitters: Uncertain significance (5); Benign (1). Last evaluated 2025-05-09.

Conditions:
Hereditary cancer-predisposing syndrome. Also called: Neoplastic Syndromes, Hereditary; Tumor predisposition; Hereditary neoplastic syndrome; Hereditary Cancer Syndrome. Identifiers: Orphanet 140162, MedGen C0027672, MeSH D009386, MONDO:0015356.
Mismatch repair cancer syndrome 3. Identifiers: MedGen C5436807, MONDO:0030841, OMIM 619097.
Endometrial carcinoma. Also called: Endometrial carcinoma, somatic. Identifiers: MedGen C0476089, MONDO:0002447, OMIM 608089, HP:0012114.
Hereditary nonpolyposis colorectal neoplasms. Identifiers: MedGen C0009405, MeSH D003123.

Allele frequency attached by ClinVar (database versions not stated): ExAC 0.00002; gnomAD exomes 0.00002.

Submissions (6):

Labcorp Genetics (formerly Invitae), Labcorp
Classification: Benign for Hereditary nonpolyposis colorectal neoplasms. Last evaluated: 2025-05-09. Review status: criteria provided, single submitter. Criteria: Invitae Variant Classification Sherloc (09022015). Collection method: clinical testing. Allele origin: germline.

Color Diagnostics, LLC DBA Color Health
Classification: Uncertain significance for Hereditary cancer-predisposing syndrome. Last evaluated: 2024-11-26. Review status: criteria provided, single submitter. Criteria: ACMG Guidelines, 2015. Collection method: clinical testing. Allele origin: germline.
Comment: This missense variant replaces glutamic acid with lysine at codon 221 of the MSH6 protein. Computational prediction suggests that this variant may not impact protein structure and function (internally defined REVEL score threshold <= 0.5, PMID: 27666373). To our knowledge, functional studies have not been reported for this variant. This variant has not been reported in individuals affected with MSH6-related disorders in the literature. This variant has been identified in 4/249010 chromosomes in the general population by the Genome Aggregation Database (gnomAD). The available evidence is insufficient to determine the role of this variant in disease conclusively. Therefore, this variant is classified as a Variant of Uncertain Significance.

Ambry Genetics
Classification: Uncertain significance for Hereditary cancer-predisposing syndrome. Last evaluated: 2024-08-02. Review status: criteria provided, single submitter. Criteria: Ambry Variant Classification Scheme 2023. Collection method: clinical testing. Allele origin: germline.
Comment: The p.E221K variant (also known as c.661G>A), located in coding exon 4 of the MSH6 gene, results from a G to A substitution at nucleotide position 661. The glutamic acid at codon 221 is replaced by lysine, an amino acid with similar properties. This amino acid position is highly conserved in available vertebrate species. In addition, the in silico prediction for this alteration is inconclusive. Since supporting evidence is limited at this time, the clinical significance of this alteration remains unclear.

Baylor Genetics
Classification: Uncertain significance for Endometrial carcinoma. Last evaluated: 2024-01-15. Review status: criteria provided, single submitter. Criteria: ACMG Guidelines, 2015. Collection method: clinical testing. Allele origin: unknown.

GeneDx
Classification: Uncertain significance. Last evaluated: 2023-04-10. Review status: criteria provided, single submitter. Criteria: GeneDx Variant Classification Process June 2021. Collection method: clinical testing. Allele origin: germline. Affected: yes.
Comment: Not observed at significant frequency in large population cohorts (gnomAD); In silico analysis supports that this missense variant does not alter protein structure/function; Has not been previously published as pathogenic or benign to our knowledge; This variant is associated with the following publications: (PMID: 21437237)

Department of Pathology and Laboratory Medicine, Sinai Health System
Classification: Uncertain significance for Mismatch repair cancer syndrome 3. Last evaluated: 2021-10-27. Review status: criteria provided, single submitter. Criteria: ACMG Guidelines, 2015. Collection method: clinical testing. Allele origin: germline. Affected: yes.

NM_000179.3(MSH6):c.661G>A (p.Glu221Lys)

Gene: MSH6 (mutS homolog 6; plus strand). Cytogenetic location: 2p16.3.
Variant type: single nucleotide variant.
Coding change: c.661G>A on transcript NM_000179.3 (MANE Select); coding-DNA position 661, G replaced by A.
Protein change: p.Glu221Lys; replaces glutamic acid 221 with lysine.
Molecular consequence: missense variant. On other transcripts: 5 prime UTR variant (2).
Genome position (GRCh38, 1-based): chr2:47,798,644, G>A. VCF-style: chr2-47798644-G-A. GRCh37 (hg19) VCF-style: chr2-48025783-G-A.
Other names: c.271G>A, p.Glu91Lys (NM_001281492.2); c.-246G>A (NM_001281493.2, NM_001281494.2); short protein forms E221K, E91K.
Identifiers: ClinVar variation 629847 (VCV000629847.16), dbSNP rs757817018, ClinGen allele CA073319.